The following is an entry in ClinVar:

NM_000400.4(ERCC2):c.832G>A (p.Glu278Lys)

Gene: ERCC2 (ERCC excision repair 2, TFIIH core complex helicase subunit; minus strand). Cytogenetic location: 19q13.32.
Variant type: single nucleotide variant.
Coding change: c.832G>A on transcript NM_000400.4 (MANE Select); coding-DNA position 832, G replaced by A.
Protein change: p.Glu278Lys; replaces glutamic acid 278 with lysine.
Molecular consequence: missense variant.
Genome position (GRCh38, 1-based): chr19:45,364,103, C>T on the plus strand (G>A on the coding strand, the complement: ERCC2 is on the minus strand). VCF-style: chr19-45364103-C-T. GRCh37 (hg19) VCF-style: chr19-45867361-C-T.
Other names: c.760G>A, p.Glu254Lys (NM_001130867.2); short protein forms E254K, E278K.
Identifiers: ClinVar variation 1319428 (VCV001319428.5), dbSNP rs1972333258, ClinGen allele CA406373803.

ClinVar aggregate classification (germline): Uncertain significance. Review status: criteria provided, multiple submitters, no conflicts (2 of 4 stars). 2 submissions from 2 submitters: Uncertain significance (2). Last evaluated 2021-11-03.

Conditions:
Inborn genetic diseases. Identifiers: MedGen C0950123, MeSH D030342.

Allele frequency attached by ClinVar (database versions not stated): TOPMed below 0.00001.

Submissions (2):

Institute for Clinical Genetics, University Hospital TU Dresden, University Hospital TU Dresden
Classification: Uncertain significance. Last evaluated: 2021-11-03. Review status: criteria provided, single submitter. Criteria: ACMG Guidelines, 2015. Collection method: clinical testing. Allele origin: germline.

Ambry Genetics
Classification: Uncertain significance for Inborn genetic diseases. Last evaluated: 2021-10-19. Review status: criteria provided, single submitter. Criteria: Ambry Variant Classification Scheme 2023. Collection method: clinical testing. Allele origin: germline.
Comment: The p.E278K variant (also known as c.832G>A), located in coding exon 10 of the ERCC2 gene, results from a G to A substitution at nucleotide position 832. The glutamic acid at codon 278 is replaced by lysine, an amino acid with similar properties. This amino acid position is conserved. In addition, this alteration is predicted to be tolerated by in silico analysis. Since supporting evidence is limited at this time, the clinical significance of this alteration remains unclear.